The following continues an entry in ClinVar:

NM_006269.2(RP1):c.2029C>T (p.Arg677Ter)

Gene: RP1. ClinVar aggregate classification (germline): Pathogenic. Pathogenic (15).

Literature cited by the submitters: PubMed 42847597 (cited by Department of Ophthalmology, Seoul National University Bundang Hospital); PubMed 10391211 (cited by 6 submitters); PubMed 10391212 (cited by 3 submitters); PubMed 10401003 (cited by 4 submitters); PubMed 10484783 (cited by Department of Ophthalmology, Seoul National University Bundang Hospital); PubMed 10845615 (cited by Department of Ophthalmology, Seoul National University Bundang Hospital); PubMed 11095597 (cited by Department of Ophthalmology, Seoul National University Bundang Hospital); PubMed 12882812 (cited by Department of Ophthalmology, Seoul National University Bundang Hospital); PubMed 16568030 (cited by Department of Ophthalmology, Seoul National University Bundang Hospital); PubMed 16597330 (cited by Department of Ophthalmology, Seoul National University Bundang Hospital); PubMed 23950152 (cited by Department of Ophthalmology, Seoul National University Bundang Hospital); PubMed 28076437 (cited by Department of Ophthalmology, Seoul National University Bundang Hospital); PubMed 29847639 (cited by 4 submitters); PubMed 12901510 (cited by Department of Ophthalmology, Seoul National University Bundang Hospital); PubMed 21746989 (cited by Department of Ophthalmology, Seoul National University Bundang Hospital); PubMed 30029497 (cited by Department of Ophthalmology, Seoul National University Bundang Hospital); PubMed 30731082 (cited by Department of Ophthalmology, Seoul National University Bundang Hospital); PubMed 30913292 (cited by Department of Ophthalmology, Seoul National University Bundang Hospital and Institute of Human Genetics, Univ. Regensburg, Univ. Regensburg); PubMed 31736247 (cited by Department of Ophthalmology, Seoul National University Bundang Hospital); PubMed 11527933 (cited by Labcorp Genetics (formerly Invitae), Labcorp); PubMed 19933189 (cited by Labcorp Genetics (formerly Invitae), Labcorp); PubMed 29425069 (cited by Labcorp Genetics (formerly Invitae), Labcorp); PubMed 30027431 (cited by Labcorp Genetics (formerly Invitae), Labcorp); PubMed 33681214 (cited by Labcorp Genetics (formerly Invitae), Labcorp); PubMed 28761320 (cited by Institute of Human Genetics, Univ. Regensburg, Univ. Regensburg); PubMed 31054281 (cited by Institute of Human Genetics, Univ. Regensburg, Univ. Regensburg); PubMed 31213501 (cited by Institute of Human Genetics, Univ. Regensburg, Univ. Regensburg); PubMed 32326409 (cited by Institute of Human Genetics, Univ. Regensburg, Univ. Regensburg); PubMed 32193659 (cited by Institute of Human Genetics, Univ. Regensburg, Univ. Regensburg); PubMed 32581362 (cited by Institute of Human Genetics, Univ. Regensburg, Univ. Regensburg); PubMed 32037395 (cited by Institute of Human Genetics, Univ. Regensburg, Univ. Regensburg); PubMed 33576794 (cited by Institute of Human Genetics, Univ. Regensburg, Univ. Regensburg); PubMed 32795431 (cited by Institute of Human Genetics, Univ. Regensburg, Univ. Regensburg); PubMed 33144682 (cited by Institute of Human Genetics, Univ. Regensburg, Univ. Regensburg); PubMed 33749171 (cited by Institute of Human Genetics, Univ. Regensburg, Univ. Regensburg); PubMed 35886928 (cited by Institute of Human Genetics, Univ. Regensburg, Univ. Regensburg); PubMed 36460718 (cited by Institute of Human Genetics, Univ. Regensburg, Univ. Regensburg); PubMed 36284460 (cited by Institute of Human Genetics, Univ. Regensburg, Univ. Regensburg); PubMed 36819107 (cited by Institute of Human Genetics, Univ. Regensburg, Univ. Regensburg); PubMed 1783394 (cited by OMIM); PubMed 8931712 (cited by OMIM); Iannaccone, A., Cideciyan, A. V., Sheffield, V. C., Stone, E. M., Jacobson, S. G. Phenotype of chromosome 8q-linked autosomal dominant retinitis pigmentosa. (Abstract) Invest. Ophthal. Vis. Sci. 37: S345-only, 1996. (cited by OMIM).